The following is an entry in ClinVar:

NM_004366.6(CLCN2):c.620C>T (p.Pro207Leu)

Gene: CLCN2 (chloride voltage-gated channel 2; minus strand). Cytogenetic location: 3q27.1.
Variant type: single nucleotide variant.
Coding change: c.620C>T on transcript NM_004366.6 (MANE Select); coding-DNA position 620, C replaced by T.
Protein change: p.Pro207Leu; replaces proline 207 with leucine.
Molecular consequence: missense variant.
Genome position (GRCh38, 1-based): chr3:184,357,852, G>A on the plus strand (C>T on the coding strand, the complement: CLCN2 is on the minus strand). VCF-style: chr3-184357852-G-A. GRCh37 (hg19) VCF-style: chr3-184075640-G-A.
Other names: c.620C>T, p.Pro207Leu (NM_001171087.3, NM_001171089.3); c.488C>T, p.Pro163Leu (NM_001171088.3); c.620C>T (NM_004366.4); short protein forms P163L, P207L.
Identifiers: ClinVar variation 2506302 (VCV002506302.2), dbSNP rs2474257980, ClinGen allele CA355456487.

ClinVar aggregate classification (germline): Uncertain significance. Review status: criteria provided, multiple submitters, no conflicts (2 of 4 stars). 2 submissions from 2 submitters: Uncertain significance (2). Last evaluated 2024-12-07.

Conditions:
Inborn genetic diseases. Identifiers: MedGen C0950123, MeSH D030342.

Allele frequency attached by ClinVar (database versions not stated): gnomAD exomes below 0.00001.
gnomAD v4.1: 2 of 1,613,902 alleles (0.00012%); highest among the groups gnomAD compares: Non-Finnish European, 0.00017%; no homozygotes.

Submissions (2):

Ambry Genetics
Classification: Uncertain significance for Inborn genetic diseases. Last evaluated: 2024-12-07. Review status: criteria provided, single submitter. Criteria: Ambry Variant Classification Scheme 2023. Collection method: clinical testing. Allele origin: germline.

Women's Health and Genetics/Laboratory Corporation of America, LabCorp
Classification: Uncertain significance. Last evaluated: 2023-05-11. Review status: criteria provided, single submitter. Criteria: LabCorp Variant Classification Summary - May 2015. Collection method: clinical testing. Allele origin: germline.
Comment: Variant summary: CLCN2 c.620C>T (p.Pro207Leu) results in a non-conservative amino acid change located in the Chloride channel, core domain (IPR014743) of the encoded protein sequence. Five of five in-silico tools predict a damaging effect of the variant on protein function. The variant was absent in 250692 control chromosomes. The available data on variant occurrences in the general population are insufficient to allow any conclusion about variant significance. To our knowledge, no occurrence of c.620C>T in individuals affected with CLCN2-Related Disorders and no experimental evidence demonstrating its impact on protein function have been reported. No clinical diagnostic laboratories have submitted clinical-significance assessments for this variant to ClinVar after 2014. Based on the evidence outlined above, the variant was classified as uncertain significance.